The following is an entry in ClinVar:

NM_000094.4(COL7A1):c.4042dup (p.Glu1348fs)

Gene: COL7A1 (collagen type VII alpha 1 chain; minus strand). Cytogenetic location: 3p21.31.
Variant type: Duplication.
Coding change: c.4042dup on transcript NM_000094.4 (MANE Select); coding-DNA position 4042, one base duplicated (G; older notation c.4042dupG).
Protein change: p.Glu1348fs; shifts the reading frame from glutamic acid 1348.
Molecular consequence: frameshift variant.
Genome position (GRCh38, 1-based): chr3:48,584,739, C duplicated on the plus strand (G on the coding strand, the reverse complement: COL7A1 is on the minus strand); the first of 5 consecutive C bases (chr3:48,584,739-48,584,743); duplicating any one gives the same sequence. VCF-style (leftmost placement, unchanged base first): chr3-48584738-T-TC. GRCh37 (hg19) VCF-style: chr3-48622171-T-TC.
Other names: short protein forms E1348fs.
Identifiers: ClinVar variation 5014378 (VCV005014378.1).

ClinVar aggregate classification (germline): Pathogenic (1 of 4 stars; one submission).

Conditions:
Recessive dystrophic epidermolysis bullosa (RDEB). Also called: DYSTROPHIC EPIDERMOLYSIS BULLOSA, AUTOSOMAL RECESSIVE; EPIDERMOLYSIS BULLOSA DYSTROPHICA, HALLOPEAU-SIEMENS TYPE; Hallopeau-Siemens Disease; severe generalized recessive dystrophic epidermolysis bullosa; EPIDERMOLYSIS BULLOSA DYSTROPHICA, GENERALIZED SEVERE, AUTOSOMAL RECESSIVE; Epidermolysis Bullosa Distrophica Autosomal Recessive (RDEB). Identifiers: Orphanet 79408, Orphanet 79409, MedGen C0079474, MONDO:0009179, OMIM 226600.

Submission:

Myriad Genetics, Inc.
Classification: Pathogenic for Recessive dystrophic epidermolysis bullosa. Last evaluated: 2025-05-03. Review status: criteria provided, single submitter. Criteria: Myriad Autosomal Dominant, Autosomal Recessive and X-Linked Classification Criteria (2023). Collection method: clinical testing. Allele origin: unknown.
Comment: NM_000094.3(COL7A1):c.4042dupG(E1348Gfs*12) is expected to be pathogenic in the context of dystrophic epidermolysis bullosa. This variant is predicted to lead to an abnormal or absent protein product due to the creation of a premature termination codon in COL7A1, a gene where loss-of-function variants are known to be pathogenic. Please note: this variant was assessed in the context of healthy population screening.